The following is an entry in ClinVar:

NM_020832.3(ZNF687):c.3066T>C (p.Val1022=)

Gene: ZNF687 (zinc finger protein 687; plus strand). Cytogenetic location: 1q21.3.
Variant type: single nucleotide variant.
Coding change: c.3066T>C on transcript NM_020832.3 (MANE Select); coding-DNA position 3066, T replaced by C.
Protein change: p.Val1022=; no amino-acid change (valine 1022 retained).
Molecular consequence: synonymous variant.
Genome position (GRCh38, 1-based): chr1:151,290,223, T>C. VCF-style: chr1-151290223-T-C. GRCh37 (hg19) VCF-style: chr1-151262699-T-C.
Other names: c.3066T>C, p.Val1022= (NM_001304763.2, NM_001304764.2).
Identifiers: ClinVar variation 1902268 (VCV001902268.12), dbSNP rs1557774498, ClinGen allele CA420907100.

ClinVar aggregate classification (germline): Likely benign. Review status: criteria provided, multiple submitters, no conflicts (2 of 4 stars). 2 submissions from 2 submitters: Likely benign (2). Last evaluated 2025-04-01.

Allele frequency attached by ClinVar (database versions not stated): gnomAD exomes below 0.00001; TOPMed below 0.00001.
gnomAD v4.1: 3 of 1,613,954 alleles (0.00019%); highest among the groups gnomAD compares: Admixed American, 0.0033%; no homozygotes.

Submissions (2):

CeGaT Center for Human Genetics Tuebingen
Classification: Likely benign. Last evaluated: 2025-04-01. Review status: criteria provided, single submitter. Criteria: CeGaT Center For Human Genetics Tuebingen Variant Classification Criteria Version 2. Collection method: clinical testing. Allele origin: germline. Affected: yes. Observed: 1 variant allele.
Comment: ZNF687: BP4, BP7

Labcorp Genetics (formerly Invitae), Labcorp
Classification: Likely benign. Last evaluated: 2025-02-10. Review status: criteria provided, single submitter. Criteria: Invitae Variant Classification Sherloc (09022015). Collection method: clinical testing. Allele origin: germline.